The following is an entry in ClinVar:

ClinVar aggregate classification (germline): Likely pathogenic (1 of 4 stars; one submission).

Conditions:
Asphyxiating thoracic dystrophy 3. Also called: SHORT-RIB THORACIC DYSPLASIA 3 WITH OR WITHOUT POLYDACTYLY; POLYDACTYLY WITH NEONATAL CHONDRODYSTROPHY, TYPE I; SHORT-RIB THORACIC DYSPLASIA 3/6 WITH POLYDACTYLY, DIGENIC; Short rib polydactyly syndrome 2B; Saldino-Noonan Syndrome. Identifiers: Orphanet 474, Orphanet 93269, Orphanet 93270, Orphanet 93271, MedGen C0036069, MONDO:0013127, OMIM 613091.

Submission:

Juno Genomics, Hangzhou Juno Genomics, Inc
Classification: Likely pathogenic for Asphyxiating thoracic dystrophy 3. Review status: criteria provided, single submitter. Criteria: ACMG Guidelines, 2015. Collection method: clinical testing. Allele origin: germline. Affected: yes.
Comment: Absent from controls (or at extremely low frequency if recessive) in Genome Aggregation Database, Exome Sequencing Project, 1000 Genomes Project, or Exome Aggregation Consortium.;Novel missense change at an amino acid residue where a different missense change determined to be pathogenic has been seen before.;For recessive disorders, detected in trans with a pathogenic variant.;Patient's phenotype or family history is highly specific for a disease with a single genetic etiology.

NM_001377.3(DYNC2H1):c.6614G>T (p.Arg2205Leu)

Gene: DYNC2H1 (dynein cytoplasmic 2 heavy chain 1; plus strand). Cytogenetic location: 11q22.3.
Variant type: single nucleotide variant.
Coding change: c.6614G>T on transcript NM_001377.3 (MANE Select); coding-DNA position 6614, G replaced by T.
Protein change: p.Arg2205Leu; replaces arginine 2205 with leucine.
Molecular consequence: missense variant.
Genome position (GRCh38, 1-based): chr11:103,185,032, G>T. VCF-style: chr11-103185032-G-T. GRCh37 (hg19) VCF-style: chr11-103055761-G-T.
Other names: c.6614G>T, p.Arg2205Leu (NM_001080463.2); short protein forms R2205L.
Identifiers: ClinVar variation 3382776 (VCV003382776.3).
Genomic context (GRCh38, chr11:103,185,032, plus strand): 5'-ATGACGAATTCATTATTAATCTCATAAGGGGACTTGGTGGAAATCTGAATATGAAGTCAC[G>T]TTTGGAATTTACCAAAGAGGTAATGCATATTTATAGCCTATATTTAGTCAAAACTTTAAC-3'
Protein context (NP_001368.2, residues 2195-2215): GLGGNLNMKS[Arg2205Leu]LEFTKEVFHW